The following is an entry in ClinVar:

NM_022114.4(PRDM16):c.2743A>C (p.Lys915Gln)

Gene: PRDM16 (PR/SET domain 16; plus strand). Cytogenetic location: 1p36.32.
Variant type: single nucleotide variant.
Coding change: c.2743A>C on transcript NM_022114.4 (MANE Select); coding-DNA position 2743, A replaced by C.
Protein change: p.Lys915Gln; replaces lysine 915 with glutamine.
Molecular consequence: missense variant.
Genome position (GRCh38, 1-based): chr1:3,417,879, A>C. VCF-style: chr1-3417879-A-C. GRCh37 (hg19) VCF-style: chr1-3334443-A-C.
Other names: c.2743A>C, p.Lys915Gln (NM_199454.3); short protein forms K915Q.
Identifiers: ClinVar variation 1379030 (VCV001379030.6), dbSNP rs1638313904, ClinGen allele CA338001422.

ClinVar aggregate classification (germline): Uncertain significance (1 of 4 stars; one submission).

Conditions:
Left ventricular noncompaction 8 (LVNC8). Identifiers: Orphanet 154, Orphanet 54260, MedGen C3809288, MONDO:0014152, OMIM 615373.

Submission:

Labcorp Genetics (formerly Invitae), Labcorp
Classification: Uncertain significance for Left ventricular noncompaction 8. Last evaluated: 2021-09-01. Review status: criteria provided, single submitter. Criteria: Invitae Variant Classification Sherloc (09022015). Collection method: clinical testing. Allele origin: germline.
Comment: In summary, the available evidence is currently insufficient to determine the role of this variant in disease. Therefore, it has been classified as a Variant of Uncertain Significance. Algorithms developed to predict the effect of missense changes on protein structure and function (SIFT, PolyPhen-2, Align-GVGD) all suggest that this variant is likely to be tolerated. This variant has not been reported in the literature in individuals affected with PRDM16-related conditions. This variant is not present in population databases (ExAC no frequency). This sequence change replaces lysine with glutamine at codon 915 of the PRDM16 protein (p.Lys915Gln). The lysine residue is highly conserved and there is a small physicochemical difference between lysine and glutamine.